The following is an entry in ClinVar:

ClinVar aggregate classification (germline): Uncertain significance (1 of 4 stars; one submission).

Allele frequency attached by ClinVar (database versions not stated): gnomAD exomes below 0.00001; ExAC 0.00001.
gnomAD v4.1: 1 of 1,614,176 alleles (0.000062%); highest among the groups gnomAD compares: South Asian, 0.0011%; no homozygotes.

Submission:

Labcorp Genetics (formerly Invitae), Labcorp
Classification: Uncertain significance. Last evaluated: 2024-10-14. Review status: criteria provided, single submitter. Criteria: Invitae Variant Classification Sherloc (09022015). Collection method: clinical testing. Allele origin: germline.
Comment: This sequence change replaces tyrosine, which is neutral and polar, with histidine, which is basic and polar, at codon 3692 of the RNF213 protein (p.Tyr3692His). This variant is present in population databases (rs768010427, gnomAD 0.003%). This variant has not been reported in the literature in individuals affected with RNF213-related conditions. ClinVar contains an entry for this variant (Variation ID: 2038820). Invitae Evidence Modeling of protein sequence and biophysical properties (such as structural, functional, and spatial information, amino acid conservation, physicochemical variation, residue mobility, and thermodynamic stability) indicates that this missense variant is not expected to disrupt RNF213 protein function with a negative predictive value of 95%. In summary, the available evidence is currently insufficient to determine the role of this variant in disease. Therefore, it has been classified as a Variant of Uncertain Significance.

NM_001256071.3(RNF213):c.11074T>C (p.Tyr3692His)

Genes: RNF213 (ring finger protein 213; plus strand), RNF213-AS1 (RNF213 antisense RNA 1; minus strand). Cytogenetic location: 17q25.3.
Variant type: single nucleotide variant.
Coding change: c.11074T>C on transcript NM_001256071.3 (MANE Select); coding-DNA position 11074, T replaced by C.
Protein change: p.Tyr3692His; replaces tyrosine 3692 with histidine.
Molecular consequence: missense variant.
Genome position (GRCh38, 1-based): chr17:80,360,080, T>C. VCF-style: chr17-80360080-T-C. GRCh37 (hg19) VCF-style: chr17-78333880-T-C.
Other names: c.11221T>C, p.Tyr3741His (NM_001410195.1, NM_020914.5); short protein forms Y3741H, Y3692H.
Identifiers: ClinVar variation 2038820 (VCV002038820.4), dbSNP rs768010427, ClinGen allele CA8821699.